The following is an entry in ClinVar:

NM_153240.5(NPHP3):c.1351-8G>C

Genes: NPHP3 (nephrocystin 3; minus strand), NPHP3-ACAD11 (NPHP3-ACAD11 readthrough (NMD candidate); minus strand). Cytogenetic location: 3q22.1.
Variant type: single nucleotide variant.
Coding change: c.1351-8G>C on transcript NM_153240.5 (MANE Select); 8 bases into the intron before coding-DNA position 1351, G replaced by C.
Molecular consequence: intron variant.
Genome position (GRCh38, 1-based): chr3:132,704,379, C>G on the plus strand (G>C on the coding strand, the complement: NPHP3 is on the minus strand). VCF-style: chr3-132704379-C-G. GRCh37 (hg19) VCF-style: chr3-132423223-C-G.
Identifiers: ClinVar variation 4998281 (VCV004998281.1).

ClinVar aggregate classification (germline): Likely benign (1 of 4 stars; one submission).

Conditions:
NPHP3-related disorder. Also called: NPHP3-related condition; NPHP3-related disorders. Identifiers: MedGen CN379163.

gnomAD v4.1: 14 of 1,613,942 alleles (0.00087%); highest among the groups gnomAD compares: Non-Finnish European, 0.0012%; no homozygotes.

Submission:

PreventionGenetics, part of Exact Sciences
Classification: Likely benign for NPHP3-related condition. Last evaluated: 2025-03-22. Review status: criteria provided, single submitter. Criteria: ACMG Guidelines, 2015. Collection method: clinical testing. Allele origin: germline.
Comment: This variant is classified as likely benign based on ACMG/AMP sequence variant interpretation guidelines (Richards et al. 2015 PMID: 25741868, with internal and published modifications).